The following is an entry in ClinVar:

NM_014956.5(CEP164):c.272A>G (p.His91Arg)

Gene: CEP164 (centrosomal protein 164; plus strand). Cytogenetic location: 11q23.3.
Variant type: single nucleotide variant.
Coding change: c.272A>G on transcript NM_014956.5 (MANE Select); coding-DNA position 272, A replaced by G.
Protein change: p.His91Arg; replaces histidine 91 with arginine.
Molecular consequence: missense variant.
Genome position (GRCh38, 1-based): chr11:117,351,867, A>G. VCF-style: chr11-117351867-A-G. GRCh37 (hg19) VCF-style: chr11-117222583-A-G.
Other names: c.272A>G, p.His91Arg (NM_001271933.2); short protein forms H91R.
Identifiers: ClinVar variation 1010797 (VCV001010797.6), dbSNP rs2039675348, ClinGen allele CA382725831.

ClinVar aggregate classification (germline): Uncertain significance (1 of 4 stars; one submission).

Conditions:
Nephronophthisis 15 (NPHP15). Identifiers: Orphanet 3156, MedGen C3541853, MONDO:0013917, OMIM 614845.

gnomAD v4.1: 3 of 1,613,682 alleles (0.00019%); highest among the groups gnomAD compares: Non-Finnish European, 0.00017%; no homozygotes.

Submission:

Labcorp Genetics (formerly Invitae), Labcorp
Classification: Uncertain significance for Nephronophthisis 15. Last evaluated: 2022-10-13. Review status: criteria provided, single submitter. Criteria: Invitae Variant Classification Sherloc (09022015). Collection method: clinical testing. Allele origin: germline.
Comment: Algorithms developed to predict the effect of missense changes on protein structure and function are either unavailable or do not agree on the potential impact of this missense change (SIFT: "Deleterious"; PolyPhen-2: "Benign"; Align-GVGD: "Class C25"). ClinVar contains an entry for this variant (Variation ID: 1010797). This variant has not been reported in the literature in individuals affected with CEP164-related conditions. This variant is not present in population databases (gnomAD no frequency). This sequence change replaces histidine, which is basic and polar, with arginine, which is basic and polar, at codon 91 of the CEP164 protein (p.His91Arg). In summary, the available evidence is currently insufficient to determine the role of this variant in disease. Therefore, it has been classified as a Variant of Uncertain Significance.